The following is an entry in ClinVar:

ClinVar aggregate classification (germline): Pathogenic (1 of 4 stars; one submission).

Conditions:
Dilated cardiomyopathy 1KK (CMD1KK). Identifiers: Orphanet 154, Orphanet 75249, MedGen C3714995, MONDO:0014100, OMIM 615248.

Submission:

Labcorp Genetics (formerly Invitae), Labcorp
Classification: Pathogenic for Dilated cardiomyopathy 1KK. Last evaluated: 2023-07-28. Review status: criteria provided, single submitter. Criteria: Invitae Variant Classification Sherloc (09022015). Collection method: clinical testing. Allele origin: germline.
Comment: This variant has not been reported in the literature in individuals affected with MYPN-related conditions. For these reasons, this variant has been classified as Pathogenic. This variant is not present in population databases (gnomAD no frequency). This sequence change creates a premature translational stop signal (p.Leu695*) in the MYPN gene. It is expected to result in an absent or disrupted protein product. Loss-of-function variants in MYPN are known to be pathogenic (PMID: 28017374).

Literature cited by the submitters: PubMed 28017374.

NM_032578.4(MYPN):c.2084del (p.Val694_Leu695insTer)

Gene: MYPN (myopalladin; plus strand). Cytogenetic location: 10q21.3.
Variant type: Deletion.
Coding change: c.2084del on transcript NM_032578.4 (MANE Select); coding-DNA position 2084, one base deleted (T; older notation c.2084delT).
Protein change: p.Val694_Leu695insTer.
Molecular consequence: nonsense. On other transcripts: non-coding transcript variant (2).
Genome position (GRCh38, 1-based): chr10:68,174,176, T deleted; the last of 4 consecutive T bases (chr10:68,174,173-68,174,176); deleting any one gives the same sequence. VCF-style (leftmost placement, unchanged base first): chr10-68174172-GT-G. GRCh37 (hg19) VCF-style: chr10-69933929-GT-G.
Other names: c.2084del, p.Val694_Leu695insTer (NM_001256267.2); c.1202del, p.Val400_Leu401insTer (NM_001256268.2).
Identifiers: ClinVar variation 2723595 (VCV002723595.3), dbSNP rs2495791969, ClinGen allele CA2697558399.